The following is an entry in ClinVar:

NM_022437.3(ABCG8):c.1778T>G (p.Val593Gly)

Gene: ABCG8 (ATP binding cassette subfamily G member 8; plus strand). Cytogenetic location: 2p21.
Variant type: single nucleotide variant.
Coding change: c.1778T>G on transcript NM_022437.3 (MANE Select); coding-DNA position 1778, T replaced by G.
Protein change: p.Val593Gly; replaces valine 593 with glycine.
Molecular consequence: missense variant.
Genome position (GRCh38, 1-based): chr2:43,877,582, T>G. VCF-style: chr2-43877582-T-G. GRCh37 (hg19) VCF-style: chr2-44104721-T-G.
Other names: c.1775T>G, p.Val592Gly (NM_001357321.2); short protein forms V592G, V593G.
Identifiers: ClinVar variation 3347895 (VCV003347895.1).
Genomic context (GRCh38, chr2:43,877,582, plus strand): 5'-TGAGGGACACCTGTGAGTAACGCGGCTGTCTGTCTCCAGTGCCCGCGTGGATTTCCAAAG[T>G]GTCCTTCCTGCGGTGGTGTTTTGAAGGGCTGATGAAGATTCAGTTCAGCAGAAGAACTTA-3'
Protein context (NP_071882.1, residues 583-603): LWTVPAWISK[Val593Gly]SFLRWCFEGL

ClinVar aggregate classification (germline): Uncertain significance (0 of 4 stars; one submission).

Conditions:
ABCG8-related disorder. Also called: ABCG8-related condition.

gnomAD v4.1: 1 of 1,614,092 alleles (0.000062%); highest among the groups gnomAD compares: Non-Finnish European, 0.000085%; no homozygotes.

Submission:

PreventionGenetics, part of Exact Sciences
Classification: Uncertain significance for ABCG8-related condition. Last evaluated: 2024-08-18. Review status: no assertion criteria provided. Collection method: clinical testing. Allele origin: germline.
Comment: The ABCG8 c.1778T>G variant is predicted to result in the amino acid substitution p.Val593Gly. To our knowledge, this variant has not been reported in the literature or in a large population database, indicating this variant is rare. At this time, the clinical significance of this variant is uncertain due to the absence of conclusive functional and genetic evidence.